The following is an entry in ClinVar:

NM_000543.5(SMPD1):c.1378A>C (p.Thr460Pro)

Gene: SMPD1 (sphingomyelin phosphodiesterase 1; plus strand). Cytogenetic location: 11p15.4.
Variant type: single nucleotide variant.
Coding change: c.1378A>C on transcript NM_000543.5 (MANE Select); coding-DNA position 1378, A replaced by C.
Protein change: p.Thr460Pro; replaces threonine 460 with proline.
Molecular consequence: missense variant. On other transcripts: non-coding transcript variant (2).
Genome position (GRCh38, 1-based): chr11:6,393,933, A>C. VCF-style: chr11-6393933-A-C. GRCh37 (hg19) VCF-style: chr11-6415163-A-C.
Other names: c.1375A>C, p.Thr459Pro (NM_001007593.3); c.1378A>C, p.Thr460Pro (NM_001318087.2); c.457A>C, p.Thr153Pro (NM_001318088.2); c.1246A>C, p.Thr416Pro (NM_001365135.2); c.1378A>C (NM_000543.4); short protein forms T460P, T153P, T459P, T416P.
Identifiers: ClinVar variation 197685 (VCV000197685.12), dbSNP rs794727705, ClinGen allele CA245953.

ClinVar aggregate classification (germline): Conflicting classifications of pathogenicity. Review status: criteria provided, conflicting classifications (1 of 4 stars). 3 submissions from 3 submitters: Likely pathogenic (1); Uncertain significance (2). Last evaluated 2025-07-31.

Conditions:
Niemann-Pick disease, type A. Also called: Infantile Neurovisceral ASMD (Niemann-Pick Disease Type A; NPD-A); SPHINGOMYELIN LIPIDOSIS; SPHINGOMYELINASE DEFICIENCY. Identifiers: Orphanet 77292, MedGen C0268242, MONDO:0009756, OMIM 257200. Disease mechanism: loss of function.
Niemann-Pick disease, type B. Also called: Chronic Visceral ASMD (Niemann-Pick Disease Type B; NPD-B). Identifiers: Orphanet 77293, MedGen C0268243, MONDO:0011871, OMIM 607616. Disease mechanism: loss of function.

Submissions (3):

Women's Health and Genetics/Laboratory Corporation of America, LabCorp
Classification: Uncertain significance. Last evaluated: 2025-07-31. Review status: criteria provided, single submitter. Criteria: LabCorp Variant Classification Summary - May 2015. Collection method: clinical testing. Allele origin: germline.
Comment: Variant summary: SMPD1 c.1378A>C (p.Thr460Pro) results in a non-conservative amino acid change located in the metallophosphoesterase catalytic domain (Grasko_2014) of the encoded protein sequence. Algorithms developed to predict the effect of missense changes on protein structure and function all suggest that this variant is likely to be disruptive. The variant was absent in 251492 control chromosomes. The available data on variant occurrences in the general population are insufficient to allow any conclusion about variant significance. c.1378A>C has been reported in the literature in the compound heterozygous state in an individual affected with Niemann-Pick Disease wiith markedly reduced ASM activity found by lysosomal enzyme analyses (Grasko_2014). To our knowledge, no experimental evidence demonstrating an impact on protein function has been reported. The following publication has been ascertained in the context of this evaluation (PMID: 24643943). ClinVar contains an entry for this variant (Variation ID: 197685). Based on the evidence outlined above, the variant was classified as uncertain significance.

Labcorp Genetics (formerly Invitae), Labcorp
Classification: Likely pathogenic for Niemann-Pick disease, type B; Niemann-Pick disease, type A. Last evaluated: 2024-02-02. Review status: criteria provided, single submitter. Criteria: Invitae Variant Classification Sherloc (09022015). Collection method: clinical testing. Allele origin: germline.
Comment: This sequence change replaces threonine, which is neutral and polar, with proline, which is neutral and non-polar, at codon 460 of the SMPD1 protein (p.Thr460Pro). This variant is not present in population databases (gnomAD no frequency). This missense change has been observed in individual(s) with Niemann-Pick disease (PMID: 24643943). ClinVar contains an entry for this variant (Variation ID: 197685). Advanced modeling of protein sequence and biophysical properties (such as structural, functional, and spatial information, amino acid conservation, physicochemical variation, residue mobility, and thermodynamic stability) performed at Invitae indicates that this missense variant is expected to disrupt SMPD1 protein function with a positive predictive value of 95%. In summary, the currently available evidence indicates that the variant is pathogenic, but additional data are needed to prove that conclusively. Therefore, this variant has been classified as Likely Pathogenic.

Eurofins Ntd Llc (ga)
Classification: Uncertain significance. Last evaluated: 2014-10-24. Review status: criteria provided, single submitter. Criteria: EGL Classification Definitions 2015. Collection method: clinical testing. Allele origin: germline. Observed: 2 variant alleles, 2 heterozygotes.

Literature cited by the submitters: PubMed 24643943 (cited by Women's Health and Genetics/Laboratory Corporation of America, LabCorp and Labcorp Genetics (formerly Invitae), Labcorp).